The following is an entry in ClinVar:

NM_000255.4(MMUT):c.2196_2197insCGGCA (p.Val733fs)

Gene: MMUT (methylmalonyl-CoA mutase; minus strand). Cytogenetic location: 6p12.3.
Variant type: Insertion.
Coding change: c.2196_2197insCGGCA on transcript NM_000255.4 (MANE Select); coding-DNA positions 2196 to 2197, CGGCA inserted.
Protein change: p.Val733fs; shifts the reading frame from valine 733.
Molecular consequence: frameshift variant.
Genome position: GRCh38 VCF-style: chr6-49431784-C-CTGCCG. GRCh37 (hg19) VCF-style: chr6-49399497-C-CTGCCG.
Other names: short protein forms V733fs.
Identifiers: ClinVar variation 958587 (VCV000958587.1), dbSNP rs1766985866, ClinGen allele CA1139659611.
Genomic context (GRCh38, chr6:49,431,784, plus strand): 5'-GATATTATACAGATTGCTGCTTCTTTTCCAAACACTTCTCAATATCATCAAGCACCTGAA[C>CTGCCG]GGCAGCCTTTGGAATTCGAGTCCCAGGACCAAATACATTGGAAACACCAACTTCAAACAG-3'

ClinVar aggregate classification (germline): Uncertain significance (1 of 4 stars; one submission).

Conditions:
Methylmalonic aciduria due to methylmalonyl-CoA mutase deficiency (MAMM). Also called: Methylmalonic aciduria, mut type. Identifiers: Orphanet 27, MedGen C1855114, MONDO:0009612, OMIM 251000.

Submission:

Labcorp Genetics (formerly Invitae), Labcorp
Classification: Uncertain significance for Methylmalonic aciduria due to methylmalonyl-CoA mutase deficiency. Last evaluated: 2019-08-21. Review status: criteria provided, single submitter. Criteria: Invitae Variant Classification Sherloc (09022015). Collection method: clinical testing. Allele origin: germline.
Comment: This sequence change results in a frameshift in the MUT gene (p.Val733Argfs*27). While this is not anticipated to result in nonsense mediated decay, it is expected to disrupt the last 18 amino acids of the MUT protein and extend the protein by an additional 8 amino acids. This variant is not present in population databases (ExAC no frequency). This variant has not been reported in the literature in individuals with MUT-related conditions. Algorithms developed to predict the effect of sequence changes on RNA splicing suggest that this variant may create or strengthen a splice site, but this prediction has not been confirmed by published transcriptional studies. In summary, the available evidence is currently insufficient to determine the role of this variant in disease. Therefore, it has been classified as a Variant of Uncertain Significance.